The following is an entry in ClinVar:

NM_020971.3(SPTBN4):c.1056G>C (p.Thr352=)

Gene: SPTBN4 (spectrin beta, non-erythrocytic 4; plus strand). Cytogenetic location: 19q13.2.
Variant type: single nucleotide variant.
Coding change: c.1056G>C on transcript NM_020971.3 (MANE Select); coding-DNA position 1056, G replaced by C.
Protein change: p.Thr352=; no amino-acid change (threonine 352 retained).
Molecular consequence: synonymous variant.
Genome position (GRCh38, 1-based): chr19:40,502,286, G>C. VCF-style: chr19-40502286-G-C. GRCh37 (hg19) VCF-style: chr19-41008193-G-C.
Identifiers: ClinVar variation 4822916 (VCV004822916.4).

ClinVar aggregate classification (germline): Likely benign (1 of 4 stars; one submission).

Submission:

CeGaT Center for Human Genetics Tuebingen
Classification: Likely benign. Last evaluated: 2025-12-01. Review status: criteria provided, single submitter. Criteria: CeGaT Center For Human Genetics Tuebingen Variant Classification Criteria Version 2. Collection method: clinical testing. Allele origin: germline. Affected: yes. Observed: 1 variant allele.
Comment: SPTBN4: BP4, BP7